The following is an entry in ClinVar:

ClinVar aggregate classification (germline): Uncertain significance (1 of 4 stars; one submission).

Submission:

GeneDx
Classification: Uncertain significance. Last evaluated: 2022-09-22. Review status: criteria provided, single submitter. Criteria: GeneDx Variant Classification Process June 2021. Collection method: clinical testing. Allele origin: germline. Affected: yes.
Comment: Not observed at significant frequency in large population cohorts (gnomAD); In silico analysis supports that this missense variant has a deleterious effect on protein structure/function; Has not been previously published as pathogenic or benign to our knowledge

NM_001291415.2(KDM6A):c.3680G>A (p.Gly1227Asp)

Gene: KDM6A (lysine demethylase 6A; plus strand). Cytogenetic location: Xp11.3.
Variant type: single nucleotide variant.
Coding change: c.3680G>A on transcript NM_001291415.2 (MANE Select); coding-DNA position 3680, G replaced by A.
Protein change: p.Gly1227Asp; replaces glycine 1227 with aspartic acid.
Molecular consequence: missense variant. On other transcripts: non-coding transcript variant (1).
Genome position (GRCh38, 1-based): chrX:45,085,955, G>A. VCF-style: chrX-45085955-G-A. GRCh37 (hg19) VCF-style: chrX-44945200-G-A.
Other names: c.3545G>A, p.Gly1182Asp (NM_001291416.2); c.3389G>A, p.Gly1130Asp (NM_001291417.2); c.3287G>A, p.Gly1096Asp (NM_001291418.2); c.2636G>A, p.Gly879Asp (NM_001291421.2); c.3422G>A, p.Gly1141Asp (NM_001410742.1); c.3524G>A, p.Gly1175Asp (NM_021140.4); short protein forms G1096D, G1130D, G1141D, G1175D, G1182D, G1227D, G879D.
Identifiers: ClinVar variation 2446083 (VCV002446083.1), dbSNP rs2523282793, ClinGen allele CA412805228.